The following is an entry in ClinVar:

ClinVar aggregate classification (germline): Likely pathogenic (1 of 4 stars; one submission).

Conditions:
Familial hypokalemia-hypomagnesemia (GTLMNS). Also called: HYPOMAGNESEMIA-HYPOKALEMIA, PRIMARY RENOTUBULAR, WITH HYPOCALCIURIA; POTASSIUM AND MAGNESIUM DEPLETION; gitelman syndrome. Identifiers: Orphanet 358, MedGen C0268450, MONDO:0009904, OMIM 263800.

Allele frequency attached by ClinVar (database versions not stated): ESP Exome Variant Server 0.00008; TOPMed 0.00004; gnomAD exomes 0.00002; gnomAD 0.00004 and 0.00003; ExAC 0.00003.

Submission:

Broad Center for Mendelian Genomics, Broad Institute of MIT and Harvard
Classification: Likely pathogenic for Familial hypokalemia-hypomagnesemia. Last evaluated: 2018-12-03. Review status: criteria provided, single submitter. Criteria: ACMG Guidelines, 2015. Collection method: research. Allele origin: de novo. Inheritance: Autosomal recessive inheritance. Affected: yes.
Comment: Trio exome analysis showed this variant to be de novo. This variant has been identified in 0.01191% (4/33578) of Latino chromosomes chromosomes by the Genome Aggregation Database (gnomAD; dbSNP rs374055486). Computational prediction tools and conservation analyses do not provide strong support for or against an impact to the protein. In summary, although additional studies are required to fully establish its clinical significance, the p.Arg19Cys variant is likely pathogenic. ACMG/AMP Criteria applied: PM2, PS2 (Richards 2015).

NM_001126108.2(SLC12A3):c.55C>T (p.Arg19Cys)

Gene: SLC12A3 (solute carrier family 12 member 3; plus strand). Cytogenetic location: 16q13.
Variant type: single nucleotide variant.
Coding change: c.55C>T on transcript NM_001126108.2 (MANE Select); coding-DNA position 55, C replaced by T.
Protein change: p.Arg19Cys; replaces arginine 19 with cysteine.
Molecular consequence: missense variant.
Genome position (GRCh38, 1-based): chr16:56,865,290, C>T. VCF-style: chr16-56865290-C-T. GRCh37 (hg19) VCF-style: chr16-56899202-C-T.
Other names: c.55C>T, p.Arg19Cys (NM_000339.3, NM_001126107.2); short protein forms R19C.
Identifiers: ClinVar variation 813955 (VCV000813955.1), dbSNP rs374055486, ClinGen allele CA8068902.